The following is an entry in ClinVar:

NM_001277058.2(ERCC6):c.1796C>A (p.Pro599Gln)

Genes: ERCC6 (ERCC excision repair 6, chromatin remodeling factor; minus strand), PGBD3 (piggyBac transposable element derived 3; minus strand). Cytogenetic location: 10q11.23.
Variant type: single nucleotide variant.
Coding change: c.1796C>A on transcript NM_001277058.2 (MANE Plus Clinical); coding-DNA position 1796, C replaced by A.
Protein change: p.Pro599Gln; replaces proline 599 with glutamine.
Molecular consequence: missense variant. On other transcripts: intron variant (2).
Genome position (GRCh38, 1-based): chr10:49,516,723, G>T on the plus strand (C>A on the coding strand, the complement: ERCC6 is on the minus strand). VCF-style: chr10-49516723-G-T. GRCh37 (hg19) VCF-style: chr10-50724769-G-T.
Other names: c.1796C>A, p.Pro599Gln (NM_001277059.2); c.392C>A, p.Pro131Gln (NM_170753.3); c.1397+7310C>A (NM_001346440.2, NM_000124.4); short protein forms P131Q, P599Q.
Identifiers: ClinVar variation 4993477 (VCV004993477.1).

ClinVar aggregate classification (germline): Uncertain significance (1 of 4 stars; one submission).

Conditions:
ERCC6-related disorder. Also called: ERCC6-related disorders; ERCC6-related condition. Identifiers: MedGen CN239385.

gnomAD v4.1: 2 of 1,613,968 alleles (0.00012%); highest among the groups gnomAD compares: African/African-American, 0.0013%; no homozygotes.

Submission:

PreventionGenetics, part of Exact Sciences
Classification: Uncertain significance for ERCC6-related condition. Last evaluated: 2025-11-06. Review status: criteria provided, single submitter. Criteria: ACMG Guidelines, 2015. Collection method: clinical testing. Allele origin: germline.
Comment: The ERCC6 c.1796C>A variant is predicted to result in the amino acid substitution p.Pro599Gln. To our knowledge, this variant has not been reported in the literature. In an alternate transcript, NM_000124, this variant is intronic (c.1397+7310C>A). This variant is reported in 0.0018% of alleles in individuals of European (Non-Finnish) descent in gnomAD. At this time, the clinical significance of this variant is uncertain due to the absence of conclusive functional and genetic evidence.